The following is an entry in ClinVar:

ClinVar aggregate classification (germline): Conflicting classifications of pathogenicity. Review status: criteria provided, conflicting classifications (1 of 4 stars). 2 submissions from 2 submitters: Uncertain significance (1); Likely benign (1). Last evaluated 2024-08-04.

Conditions:
POLD1-related polyposis and colorectal cancer syndrome (CRCS10). Also called: Colorectal cancer 10; COLORECTAL CANCER, SUSCEPTIBILITY TO, ON CHROMOSOME 19q; Colorectal cancer, susceptibility to, 10. Identifiers: Orphanet 220460, MedGen C2675481, MONDO:0012953, OMIM 612591.

Submissions (2):

Labcorp Genetics (formerly Invitae), Labcorp
Classification: Uncertain significance for POLD1-related polyposis and colorectal cancer syndrome. Last evaluated: 2024-08-04. Review status: criteria provided, single submitter. Criteria: Invitae Variant Classification Sherloc (09022015). Collection method: clinical testing. Allele origin: germline.
Comment: This sequence change falls in intron 6 of the POLD1 gene. It does not directly change the encoded amino acid sequence of the POLD1 protein. Information on the frequency of this variant in the gnomAD database is not available, as this variant may be reported differently in the database. This variant has not been reported in the literature in individuals affected with POLD1-related conditions. ClinVar contains an entry for this variant (Variation ID: 422221). Experimental studies and prediction algorithms are not available or were not evaluated, and the effect of this variant on mRNA splicing is currently unknown. In summary, the available evidence is currently insufficient to determine the role of this variant in disease. Therefore, it has been classified as a Variant of Uncertain Significance.

GeneDx
Classification: Likely benign. Last evaluated: 2023-08-28. Review status: criteria provided, single submitter. Criteria: GeneDx Variant Classification Process June 2021. Collection method: clinical testing. Allele origin: germline. Affected: yes.
Comment: See Variant Classification Assertion Criteria.

NM_002691.4(POLD1):c.759-14_759-13delinsAT

Gene: POLD1 (DNA polymerase delta 1, catalytic subunit; plus strand). Cytogenetic location: 19q13.33.
Variant type: Indel.
Coding change: c.759-14_759-13delinsAT on transcript NM_002691.4 (MANE Select); 14 bases into the intron before coding-DNA position 759 through 13 bases into the intron before coding-DNA position 759, CC replaced by AT.
Molecular consequence: intron variant.
Genome position (GRCh38, 1-based): chr19:50,402,440-50,402,441, CC replaced by AT. VCF-style: chr19-50402440-CC-AT. GRCh37 (hg19) VCF-style: chr19-50905697-CC-AT.
Other names: c.759-14_759-13delinsAT (LRG_785t2, LRG_785t1, NM_001256849.1 and 1 more transcripts).
Identifiers: ClinVar variation 422221 (VCV000422221.7), dbSNP rs1064795639, ClinGen allele CA16620884.